The following is an entry in ClinVar:

ClinVar aggregate classification (germline): Conflicting classifications of pathogenicity. Review status: criteria provided, conflicting classifications (1 of 4 stars). 4 submissions from 4 submitters: Uncertain significance (2); Likely benign (2). Last evaluated 2025-08-13.

Conditions:
Cardiovascular phenotype. Identifiers: MedGen CN230736.
TTN-related disorder. Also called: TTN-related condition; TTN-related disease; TTN-related disorders.
Autosomal recessive limb-girdle muscular dystrophy type 2J (LGMDR10). Also called: Limb-girdle muscular dystrophy, type 2J; MUSCULAR DYSTROPHY, LIMB-GIRDLE, AUTOSOMAL RECESSIVE 10. Identifiers: Orphanet 140922, MedGen C1837342, MONDO:0012127, OMIM 608807.
Dilated cardiomyopathy 1G (CMD1G). Identifiers: Orphanet 154, MedGen C1858763, MONDO:0011400, OMIM 604145.

Allele frequency attached by ClinVar (database versions not stated): gnomAD exomes 0.00001 and 0.00004; ExAC 0.00006; gnomAD 0.00007 and 0.00008; ESP Exome Variant Server 0.00008; TOPMed 0.00009; 1000 Genomes Project 30x 0.00031; 1000 Genomes Project 0.00040.
gnomAD v4.1: 22 of 1,613,440 alleles (0.0014%); highest among the groups gnomAD compares: African/African-American, 0.025%; no homozygotes.

Submissions (4):

PreventionGenetics, part of Exact Sciences
Classification: Uncertain significance for TTN-related condition. Last evaluated: 2025-08-13. Review status: criteria provided, single submitter. Criteria: ACMG Guidelines, 2015. Collection method: clinical testing. Allele origin: germline.
Comment: The TTN c.73319T>C variant is predicted to result in the amino acid substitution p.Ile24440Thr. To our knowledge, this variant has not been reported in the literature. This variant is reported in 0.037% of alleles in individuals of African descent in gnomAD. At this time, the clinical significance of this variant is uncertain due to the absence of conclusive functional and genetic evidence.

Ambry Genetics
Classification: Likely benign for Cardiovascular phenotype. Last evaluated: 2020-09-16. Review status: criteria provided, single submitter. Criteria: Ambry Variant Classification Scheme 2023. Collection method: clinical testing. Allele origin: germline.

GeneDx
Classification: Likely benign. Last evaluated: 2019-09-10. Review status: criteria provided, single submitter. Criteria: GeneDx Variant Classification Process June 2021. Collection method: clinical testing. Allele origin: germline. Affected: yes.

Labcorp Genetics (formerly Invitae), Labcorp
Classification: Uncertain significance for Dilated cardiomyopathy 1G; Autosomal recessive limb-girdle muscular dystrophy type 2J. Last evaluated: 2017-09-28. Review status: criteria provided, single submitter. Criteria: Invitae Variant Classification Sherloc (09022015). Collection method: clinical testing. Allele origin: germline.

NM_001267550.2(TTN):c.73319T>C (p.Ile24440Thr)

Genes: TTN-AS1 (TTN antisense RNA 1; plus strand), TTN (titin; minus strand). Cytogenetic location: 2q31.2.
Variant type: single nucleotide variant.
Coding change: c.73319T>C on transcript NM_001267550.2 (MANE Select); coding-DNA position 73319, T replaced by C.
Protein change: p.Ile24440Thr; replaces isoleucine 24440 with threonine.
Molecular consequence: missense variant.
Genome position (GRCh38, 1-based): chr2:178,572,813, A>G on the plus strand (T>C on the coding strand, the complement: TTN is on the minus strand). VCF-style: chr2-178572813-A-G. GRCh37 (hg19) VCF-style: chr2-179437540-A-G.
Other names: c.68396T>C, p.Ile22799Thr (NM_001256850.1); c.46124T>C, p.Ile15375Thr (NM_003319.4); c.65615T>C, p.Ile21872Thr (NM_133378.4); c.46499T>C, p.Ile15500Thr (NM_133432.3); c.46700T>C, p.Ile15567Thr (NM_133437.4); short protein forms I24440T, I15567T, I21872T, I22799T, I15500T, I15375T.
Identifiers: ClinVar variation 467456 (VCV000467456.9), dbSNP rs370931683, ClinGen allele CA1990381.